The following is an entry in ClinVar:

ClinVar aggregate classification (germline): Uncertain significance. Review status: criteria provided, multiple submitters, no conflicts (2 of 4 stars). 2 submissions from 2 submitters: Uncertain significance (2). Last evaluated 2025-05-09.

Allele frequency attached by ClinVar (database versions not stated): ExAC 0.00001; TOPMed 0.00002; gnomAD 0.00003; gnomAD exomes 0.00004; 1000 Genomes Project 0.00020; 1000 Genomes Project 30x 0.00031.
gnomAD v4.1: 64 of 1,613,366 alleles (0.004%); highest among the groups gnomAD compares: Non-Finnish European, 0.0047%; no homozygotes.

Submissions (2):

Labcorp Genetics (formerly Invitae), Labcorp
Classification: Uncertain significance. Last evaluated: 2025-05-09. Review status: criteria provided, single submitter. Criteria: Invitae Variant Classification Sherloc (09022015). Collection method: clinical testing. Allele origin: germline.
Comment: This sequence change replaces histidine, which is basic and polar, with glutamine, which is neutral and polar, at codon 133 of the PLG protein (p.His133Gln). This variant is present in population databases (rs4252186, gnomAD 0.003%). This variant has not been reported in the literature in individuals affected with PLG-related conditions. ClinVar contains an entry for this variant (Variation ID: 2155961). An algorithm developed to predict the effect of missense changes on protein structure and function (PolyPhen-2) suggests that this variant is likely to be disruptive. In summary, the available evidence is currently insufficient to determine the role of this variant in disease. Therefore, it has been classified as a Variant of Uncertain Significance.

Women's Health and Genetics/Laboratory Corporation of America, LabCorp
Classification: Uncertain significance. Last evaluated: 2023-11-08. Review status: criteria provided, single submitter. Criteria: LabCorp Variant Classification Summary - May 2015. Collection method: clinical testing. Allele origin: germline.
Comment: Variant summary: PLG c.399C>A (p.His133Gln) results in a non-conservative amino acid change in the encoded protein sequence. Four of five in-silico tools predict a damaging effect of the variant on protein function. The variant allele was found at a frequency of 1.2e-05 in 250974 control chromosomes. The available data on variant occurrences in the general population are insufficient to allow any conclusion about variant significance. To our knowledge, no occurrence of c.399C>A in individuals affected with Plasminogen Deficiency and no experimental evidence demonstrating its impact on protein function have been reported. One submitter has cited clinical-significance assessments for this variant to ClinVar after 2014 and has classified the variant as uncertain significance. Based on the evidence outlined above, the variant was classified as uncertain significance.

NM_000301.5(PLG):c.399C>A (p.His133Gln)

Gene: PLG (plasminogen; plus strand). Cytogenetic location: 6q26.
Variant type: single nucleotide variant.
Coding change: c.399C>A on transcript NM_000301.5 (MANE Select); coding-DNA position 399, C replaced by A.
Protein change: p.His133Gln; replaces histidine 133 with glutamine.
Molecular consequence: missense variant.
Genome position (GRCh38, 1-based): chr6:160,711,183, C>A. VCF-style: chr6-160711183-C-A. GRCh37 (hg19) VCF-style: chr6-161132215-C-A.
Other names: c.399C>A, p.His133Gln (NM_001168338.1); short protein forms H133Q.
Identifiers: ClinVar variation 2155961 (VCV002155961.5), dbSNP rs4252186, ClinGen allele CA4087411.